The following is an entry in ClinVar:

NM_139119.3(YY1AP1):c.1303del (p.Gln435fs)

Gene: YY1AP1 (YY1 associated protein 1; minus strand). Cytogenetic location: 1q22.
Variant type: Deletion.
Coding change: c.1303del on transcript NM_139119.3 (MANE Select); coding-DNA position 1303, one base deleted (C; older notation c.1303delC).
Protein change: p.Gln435fs; shifts the reading frame from glutamine 435.
Molecular consequence: frameshift variant. On other transcripts: 3 prime UTR variant (1).
Genome position (GRCh38, 1-based): chr1:155,660,607, G deleted on the plus strand (C on the coding strand, the reverse complement: YY1AP1 is on the minus strand); the first of 3 consecutive G bases (chr1:155,660,607-155,660,609); deleting any one gives the same sequence. VCF-style (leftmost placement, unchanged base first): chr1-155660606-TG-T. GRCh37 (hg19) VCF-style: chr1-155630397-TG-T.
Other names: c.1270del, p.Gln424fs (NM_001198899.2, NM_001198900.2, NM_018253.4); c.1303del, p.Gln435fs (NM_001198901.2, NM_001198902.2); c.1717del, p.Gln573fs (NM_001198903.1); c.1657del, p.Gln553fs (NM_001198904.1); c.1243del, p.Gln415fs (NM_001198905.2); c.*246del (NM_001198906.2); c.1441del, p.Gln481fs (NM_139118.3); c.1105del, p.Gln369fs (NM_139121.3); short protein forms Q369fs, Q415fs, Q424fs, Q435fs, Q481fs, Q553fs, Q573fs.
Identifiers: ClinVar variation 2499233 (VCV002499233.1), dbSNP rs749512159, ClinGen allele CA1148524.

ClinVar aggregate classification (germline): Uncertain significance (1 of 4 stars; one submission).

Submission:

GeneDx
Classification: Uncertain significance. Last evaluated: 2022-10-15. Review status: criteria provided, single submitter. Criteria: GeneDx Variant Classification Process June 2021. Collection method: clinical testing. Allele origin: germline. Affected: yes.
Comment: Frameshift variant predicted to result in protein truncation as the last 316 amino acids are replaced with 76 different amino acids, although loss-of-function variants have not been reported downstream of this position in the protein; Has not been previously published as pathogenic or benign to our knowledge